The following is an entry in ClinVar:

ClinVar aggregate classification (germline): Likely pathogenic (1 of 4 stars; one submission).

Conditions:
Renal tubulopathies.

Submission:

Genetics Laboratory, Great Ormond Street Hospital NHS Foundation Trust, North Thames Genomic Laboratory Hub
Classification: Likely pathogenic for Renal tubulopathies. Last evaluated: 2026-07-27. Review status: criteria provided, single submitter. Criteria: ACGS Best Practice Guidelines for Variant Classification in Rare Disease 2024 v1.2. Collection method: clinical testing. Allele origin: germline. Affected: yes.
Comment: PM2_moderate, PVS1_moderate, PM3_supporting, PP4_supporting

NM_001039.4(SCNN1G):c.1176+1G>T

Gene: SCNN1G (sodium channel epithelial 1 subunit gamma; plus strand). Cytogenetic location: 16p12.2.
Variant type: single nucleotide variant.
Coding change: c.1176+1G>T on transcript NM_001039.4 (MANE Select); the canonical splice donor site of the intron after coding-DNA position 1176, G replaced by T.
Molecular consequence: splice donor variant.
Genome position (GRCh38, 1-based): chr16:23,209,849, G>T. VCF-style: chr16-23209849-G-T. GRCh37 (hg19) VCF-style: chr16-23221170-G-T.
Identifiers: ClinVar variation 4976871 (VCV004976871.1).
Genomic context (GRCh38, chr16:23,209,849, plus strand): 5'-ACGGAGGACGGGAGTGACGTGCCAATCAGGAACATCTACAACGCTGCCTACTCGCTCCAG[G>T]TAACAGATTGGCAGGGGCACCCAGCCCTGGGTTTATGGCCCGGACCCAGGAGACAAAGTT-3'